The following is an entry in ClinVar:

NM_017802.4(DNAAF5):c.1902C>G (p.Leu634=)

Gene: DNAAF5 (dynein axonemal assembly factor 5; plus strand). Cytogenetic location: 7p22.3.
Variant type: single nucleotide variant.
Coding change: c.1902C>G on transcript NM_017802.4 (MANE Select); coding-DNA position 1902, C replaced by G.
Protein change: p.Leu634=; no amino-acid change (leucine 634 retained).
Molecular consequence: synonymous variant. On other transcripts: non-coding transcript variant (1).
Genome position (GRCh38, 1-based): chr7:770,589, C>G. VCF-style: chr7-770589-C-G. GRCh37 (hg19) VCF-style: chr7-810226-C-G.
Identifiers: ClinVar variation 4822787 (VCV004822787.4).

ClinVar aggregate classification (germline): Likely benign (1 of 4 stars; one submission).

gnomAD v4.1: 11 of 1,613,768 alleles (0.00068%); highest among the groups gnomAD compares: Admixed American, 0.015%; no homozygotes.

Submission:

CeGaT Center for Human Genetics Tuebingen
Classification: Likely benign. Last evaluated: 2026-02-01. Review status: criteria provided, single submitter. Criteria: CeGaT Center For Human Genetics Tuebingen Variant Classification Criteria Version 2. Collection method: clinical testing. Allele origin: germline. Affected: yes. Observed: 1 variant allele.
Comment: DNAAF5: BP4, BP7